The following is an entry in ClinVar:

NM_000059.4(BRCA2):c.658G>A (p.Val220Ile)

Gene: BRCA2 (BRCA2 DNA repair associated; plus strand). Cytogenetic location: 13q13.1.
Variant type: single nucleotide variant.
Coding change: c.658G>A on transcript NM_000059.4 (MANE Select); coding-DNA position 658, G replaced by A.
Protein change: p.Val220Ile; replaces valine 220 with isoleucine.
Molecular consequence: missense variant. On other transcripts: non-coding transcript variant (1).
Genome position (GRCh38, 1-based): chr13:32,329,469, G>A. VCF-style: chr13-32329469-G-A. GRCh37 (hg19) VCF-style: chr13-32903606-G-A.
Other names: c.658G>A, p.Val220Ile (NM_001406719.1, NM_001406720.1, NM_001406721.1 and 1 more transcripts); c.289G>A, p.Val97Ile (NM_001406722.1); short protein forms V220I, V97I.
Identifiers: ClinVar variation 4802264 (VCV004802264.1).
Genomic context (GRCh38, chr13:32,329,469, plus strand): 5'-TAATATACAATACACATAAATTTTTATCTTACAGTCAGAAATGAAGAAGCATCTGAAACT[G>A]TATTTCCTCATGATACTACTGCTGTAAGTAAATATGACATTGATTAGACTGTTGAAATTG-3'
Protein context (NP_000050.3, residues 210-230): IVRNEEASET[Val220Ile]FPHDTTANVK

ClinVar aggregate classification (germline): Uncertain significance (1 of 4 stars; one submission).

Conditions:
Hereditary breast ovarian cancer syndrome. Also called: Hereditary breast and ovarian cancer syndrome (HBOC); Hereditary breast and ovarian cancer; Breast and ovarian cancer; Hereditary breast and/or ovarian cancer syndrome; BRCA1- and BRCA2-Associated Hereditary Breast and Ovarian Cancer; Hereditary breast and ovarian cancer syndrome. Identifiers: Orphanet 145, MedGen C0677776, MeSH D061325, MONDO:0003582. Disease mechanism: loss of function.

Submission:

Labcorp Genetics (formerly Invitae), Labcorp
Classification: Uncertain significance for Hereditary breast ovarian cancer syndrome. Last evaluated: 2025-11-21. Review status: criteria provided, single submitter. Criteria: Invitae Variant Classification Sherloc (09022015). Collection method: clinical testing. Allele origin: germline.
Comment: This sequence change replaces valine, which is neutral and non-polar, with isoleucine, which is neutral and non-polar, at codon 220 of the BRCA2 protein (p.Val220Ile). This variant is not present in population databases (gnomAD no frequency). This variant has not been reported in the literature in individuals affected with BRCA2-related conditions. Invitae Evidence Modeling of protein sequence and biophysical properties (such as structural, functional, and spatial information, amino acid conservation, physicochemical variation, residue mobility, and thermodynamic stability) indicates that this missense variant is not expected to disrupt BRCA2 protein function with a negative predictive value of 95%. In summary, the available evidence is currently insufficient to determine the role of this variant in disease. Therefore, it has been classified as a Variant of Uncertain Significance.